The following is an entry in ClinVar:

ClinVar aggregate classification (germline): Uncertain significance. Review status: criteria provided, multiple submitters, no conflicts (2 of 4 stars). 2 submissions from 2 submitters: Uncertain significance (2). Last evaluated 2025-07-02.

Conditions:
Neuropathy, hereditary sensory and autonomic, type 2A (HSAN2A). Also called: ACROOSTEOLYSIS, NEUROGENIC; ACROOSTEOLYSIS, GIACCAI TYPE; MORVAN DISEASE; NEUROPATHY, CONGENITAL SENSORY; NEUROPATHY, HEREDITARY SENSORY RADICULAR, AUTOSOMAL RECESSIVE; NEUROPATHY, HEREDITARY SENSORY, TYPE IIA. Identifiers: Orphanet 970, MedGen C2752089, MONDO:0024309, OMIM 201300.
Generalized epilepsy with febrile seizures plus, type 7 (GEFSP7). Also called: GEFS+, TYPE 7. Identifiers: Orphanet 36387, MedGen C2751778, MONDO:0013470, OMIM 613863.
Inborn genetic diseases. Identifiers: MedGen C0950123, MeSH D030342.

Allele frequency attached by ClinVar (database versions not stated): gnomAD exomes 0.00001 and 0.00002; TOPMed 0.00001; ExAC 0.00002.
gnomAD v4.1: 7 of 1,612,826 alleles (0.00043%); highest among the groups gnomAD compares: Admixed American, 0.012%; no homozygotes.

Submissions (2):

Ambry Genetics
Classification: Uncertain significance for Inborn genetic diseases. Last evaluated: 2025-07-02. Review status: criteria provided, single submitter. Criteria: Ambry Variant Classification Scheme 2023. Collection method: clinical testing. Allele origin: germline.

Labcorp Genetics (formerly Invitae), Labcorp
Classification: Uncertain significance for Neuropathy, hereditary sensory and autonomic, type 2A; Generalized epilepsy with febrile seizures plus, type 7. Last evaluated: 2025-04-26. Review status: criteria provided, single submitter. Criteria: Invitae Variant Classification Sherloc (09022015). Collection method: clinical testing. Allele origin: germline.
Comment: This sequence change replaces alanine, which is neutral and non-polar, with threonine, which is neutral and polar, at codon 402 of the SCN9A protein (p.Ala402Thr). This variant is present in population databases (rs768527780, gnomAD 0.02%). This variant has not been reported in the literature in individuals affected with SCN9A-related conditions. ClinVar contains an entry for this variant (Variation ID: 471079). Invitae Evidence Modeling of protein sequence and biophysical properties (such as structural, functional, and spatial information, amino acid conservation, physicochemical variation, residue mobility, and thermodynamic stability) indicates that this missense variant is not expected to disrupt SCN9A protein function with a negative predictive value of 95%. In summary, the available evidence is currently insufficient to determine the role of this variant in disease. Therefore, it has been classified as a Variant of Uncertain Significance.

NM_001365536.1(SCN9A):c.1204G>A (p.Ala402Thr)

Genes: SCN9A (sodium voltage-gated channel alpha subunit 9; minus strand), SCN1A-AS1 (SCN1A and SCN9A antisense RNA 1; plus strand). Cytogenetic location: 2q24.3.
Variant type: single nucleotide variant.
Coding change: c.1204G>A on transcript NM_001365536.1 (MANE Select); coding-DNA position 1204, G replaced by A.
Protein change: p.Ala402Thr; replaces alanine 402 with threonine.
Molecular consequence: missense variant.
Genome position (GRCh38, 1-based): chr2:166,288,547, C>T on the plus strand (G>A on the coding strand, the complement: SCN9A is on the minus strand). VCF-style: chr2-166288547-C-T. GRCh37 (hg19) VCF-style: chr2-167145057-C-T.
Other names: c.1204G>A, p.Ala402Thr (NM_002977.4); short protein forms A402T.
Identifiers: ClinVar variation 471079 (VCV000471079.11), dbSNP rs768527780, ClinGen allele CA1944569.
Genomic context (GRCh38, chr2:166,288,547, plus strand): 5'-CTAATTCTTTCTGTTTAGCTTCTTCAATGTTTGCCTGGTTCTGTTCTTCATATGCCATGG[C>T]AACCACAGCCAGGATCAAGTTTATTAGATAAAAGGAGCCCAGGAAAATCACTACGACAAA-3'
Protein context (NP_001352465.1, residues 392-412): YLINLILAVV[Ala402Thr]MAYEEQNQAN